The following is an entry in ClinVar:

ClinVar aggregate classification (germline): Pathogenic/Likely pathogenic. Review status: criteria provided, multiple submitters, no conflicts (2 of 4 stars). 5 submissions from 5 submitters: Pathogenic (1); Likely pathogenic (4). Last evaluated 2026-01-11.

Conditions:
Hermansky-Pudlak syndrome 4 (HPS4). Identifiers: Orphanet 231500, Orphanet 79430, MedGen C3484357, MONDO:0013556, OMIM 614073.
HPS4-related disorders.

Allele frequency attached by ClinVar (database versions not stated): TOPMed below 0.00001; ExAC 0.00001; gnomAD 0.00001; ESP Exome Variant Server 0.00008.
gnomAD v4.1: 12 of 1,614,078 alleles (0.00074%); highest among the groups gnomAD compares: African/African-American, 0.0013%; no homozygotes.

Submissions (5):

Labcorp Genetics (formerly Invitae), Labcorp
Classification: Likely pathogenic. Last evaluated: 2026-01-11. Review status: criteria provided, single submitter. Criteria: Invitae Variant Classification Sherloc (09022015). Collection method: clinical testing. Allele origin: germline.
Comment: This sequence change affects a donor splice site in intron 9 of the HPS4 gene. It is expected to disrupt RNA splicing. Variants that disrupt the donor or acceptor splice site typically lead to a loss of protein function (PMID: 16199547), and loss-of-function variants in HPS4 are known to be pathogenic (PMID: 12664304). This variant is present in population databases (rs374343385, gnomAD 0.002%). Disruption of this splice site has been observed in individual(s) with Hermansky-Pudlak syndrome (PMID: 31898847). ClinVar contains an entry for this variant (Variation ID: 1204924). Algorithms developed to predict the effect of sequence changes on RNA splicing suggest that this variant may disrupt the consensus splice site. In summary, the currently available evidence indicates that the variant is pathogenic, but additional data are needed to prove that conclusively. Therefore, this variant has been classified as Likely Pathogenic.

Fulgent Genetics
Classification: Likely pathogenic for Hermansky-Pudlak syndrome 4. Last evaluated: 2024-06-07. Review status: criteria provided, single submitter. Criteria: ACMG Guidelines, 2015. Collection method: clinical testing. Allele origin: germline.

Blueprint Genetics
Classification: Likely pathogenic for HPS4-related disorders. Last evaluated: 2023-12-04. Review status: criteria provided, single submitter. Criteria: ACMG Guidelines, 2015. Collection method: clinical testing. Allele origin: germline. Affected: yes. Observed: 2 variant alleles.

Broad Center for Mendelian Genomics, Broad Institute of MIT and Harvard
Classification: Likely pathogenic for Hermansky-Pudlak syndrome 4. Last evaluated: 2023-01-24. Review status: criteria provided, single submitter. Criteria: ACMG Guidelines, 2015. Collection method: curation. Allele origin: germline. Inheritance: Autosomal recessive inheritance.
Comment: The c.706+1G>A variant in HPS4 has been reported in 1 individual, in the compound heterozygous state, with Hermansky-Pudlak syndrome 4 (PMID: 31898847) and has been identified in 0.006% (1/15430) of European (non-Finnish) chromosomes by the Genome Aggregation Database (gnomAD; dbSNP ID: rs374343385). Although this variant has been seen in the general population in a heterozygous state, its frequency is low enough to be consistent with a recessive carrier frequency. This variant has also been reported in ClinVar (Variation ID#: 1204924) and has been interpreted as pathogenic or likely pathogenic by GeneDx and Invitae. This variant is located in the 3' splice region. Computational tools predict a splicing impact, though this information is not predictive enough to determine pathogenicity. Loss of function of the HPS4 gene is strongly associated to autosomal recessive Hermansky-Pudlak syndrome 4. In summary, although additional studies are required to fully establish its clinical significance, this variant is likely pathogenic for autosomal recessive Hermansky-Pudlak syndrome 4. ACMG/AMP Criteria applied: PVS1_strong, PM2 (Richards 2015).

GeneDx
Classification: Pathogenic. Last evaluated: 2020-06-15. Review status: criteria provided, single submitter. Criteria: GeneDx Variant Classification Process June 2021. Collection method: clinical testing. Allele origin: germline. Affected: yes.
Comment: Canonical splice site variant in a gene for which loss-of-function is a known mechanism of disease; Not observed at a significant frequency in large population cohorts (Lek et al., 2016); Has not been previously published as pathogenic or benign to our knowledge; This variant is associated with the following publications: (PMID: 31898847)

Literature cited by the submitters: PubMed 16199547 (cited by Labcorp Genetics (formerly Invitae), Labcorp); PubMed 12664304 (cited by Labcorp Genetics (formerly Invitae), Labcorp); PubMed 31898847 (cited by Labcorp Genetics (formerly Invitae), Labcorp).

NM_022081.6(HPS4):c.706+1G>A

Gene: HPS4 (HPS4 biogenesis of lysosomal organelles complex 3 subunit 2; minus strand). Cytogenetic location: 22q12.1.
Variant type: single nucleotide variant.
Coding change: c.706+1G>A on transcript NM_022081.6 (MANE Select); the canonical splice donor site of the intron after coding-DNA position 706, G replaced by A.
Molecular consequence: splice donor variant.
Genome position (GRCh38, 1-based): chr22:26,466,225, C>T on the plus strand (G>A on the coding strand, the complement: HPS4 is on the minus strand). VCF-style: chr22-26466225-C-T. GRCh37 (hg19) VCF-style: chr22-26862191-C-T.
Other names: c.706+1G>A (NM_001349905.1, NM_001349904.2, NM_001349902.1 and 7 more transcripts); c.691+1G>A (NM_152841.2).
Identifiers: ClinVar variation 1204924 (VCV001204924.11), dbSNP rs374343385, ClinGen allele CA10163565.